The following is an entry in ClinVar:

NM_000204.5(CFI):c.965T>C (p.Leu322Ser)

Gene: CFI (complement factor I; minus strand). Cytogenetic location: 4q25.
Variant type: single nucleotide variant.
Coding change: c.965T>C on transcript NM_000204.5 (MANE Select); coding-DNA position 965, T replaced by C.
Protein change: p.Leu322Ser; replaces leucine 322 with serine.
Molecular consequence: missense variant. On other transcripts: non-coding transcript variant (3).
Genome position (GRCh38, 1-based): chr4:109,749,578, A>G on the plus strand (T>C on the coding strand, the complement: CFI is on the minus strand). VCF-style: chr4-109749578-A-G. GRCh37 (hg19) VCF-style: chr4-110670734-A-G.
Other names: c.989T>C, p.Leu330Ser (NM_001318057.2, NM_001375278.1); c.944T>C, p.Leu315Ser (NM_001331035.2, NM_001375280.1, NM_001375282.1); c.965T>C, p.Leu322Ser (NM_001375279.1, NM_001375281.1); c.908T>C, p.Leu303Ser (NM_001375283.1); c.356T>C, p.Leu119Ser (NM_001375284.1); short protein forms L315S, L330S, L119S, L303S, L322S.
Identifiers: ClinVar variation 3589757 (VCV003589757.2).

ClinVar aggregate classification (germline): Uncertain significance. Review status: criteria provided, multiple submitters, no conflicts (2 of 4 stars). 2 submissions from 2 submitters: Uncertain significance (2). Last evaluated 2025-08-07.

Conditions:
Atypical hemolytic-uremic syndrome with I factor anomaly. Also called: HEMOLYTIC UREMIC SYNDROME, ATYPICAL, SUSCEPTIBILITY TO, 3; AHUS, SUSCEPTIBILITY TO, 3. Identifiers: Orphanet 2134, MedGen C2752039, MONDO:0013041, OMIM 612923.
Factor I deficiency (CFID). Also called: Complement factor I deficiency. Identifiers: Orphanet 200418, MedGen C3463916, MONDO:0012594, OMIM 610984.
Age related macular degeneration 13. Identifiers: MedGen C3809523, MONDO:0014189, OMIM 615439.

Submissions (2):

Labcorp Genetics (formerly Invitae), Labcorp
Classification: Uncertain significance. Last evaluated: 2025-08-07. Review status: criteria provided, single submitter. Criteria: Invitae Variant Classification Sherloc (09022015). Collection method: clinical testing. Allele origin: germline.
Comment: This sequence change replaces leucine, which is neutral and non-polar, with serine, which is neutral and polar, at codon 322 of the CFI protein (p.Leu322Ser). This variant is not present in population databases (gnomAD no frequency). This variant has not been reported in the literature in individuals affected with CFI-related conditions. ClinVar contains an entry for this variant (Variation ID: 3589757). Invitae Evidence Modeling of protein sequence and biophysical properties (such as structural, functional, and spatial information, amino acid conservation, physicochemical variation, residue mobility, and thermodynamic stability) indicates that this missense variant is not expected to disrupt CFI protein function with a negative predictive value of 80%. In summary, the available evidence is currently insufficient to determine the role of this variant in disease. Therefore, it has been classified as a Variant of Uncertain Significance.

Fulgent Genetics
Classification: Uncertain significance for Factor I deficiency; Atypical hemolytic-uremic syndrome with I factor anomaly; Age related macular degeneration 13. Last evaluated: 2024-05-07. Review status: criteria provided, single submitter. Criteria: ACMG Guidelines, 2015. Collection method: clinical testing. Allele origin: germline.